The following is an entry in ClinVar:

NM_182961.4(SYNE1):c.23791-6del

Gene: SYNE1 (spectrin repeat containing nuclear envelope protein 1; minus strand). Cytogenetic location: 6q25.2.
Variant type: Deletion.
Coding change: c.23791-6del on transcript NM_182961.4 (MANE Select); 6 bases into the intron before coding-DNA position 23791, one base deleted (C; older notation c.23791-6delC).
Molecular consequence: intron variant.
Genome position (GRCh38, 1-based): chr6:152,156,103, G deleted on the plus strand (C on the coding strand, the reverse complement: SYNE1 is on the minus strand); the first of 4 consecutive G bases (chr6:152,156,103-152,156,106); deleting any one gives the same sequence. VCF-style (leftmost placement, unchanged base first): chr6-152156102-AG-A. GRCh37 (hg19) VCF-style: chr6-152477237-AG-A.
Other names: p.?; c.23578-6del (NM_033071.3, NM_033071.5); c.23578-6delC (NM_033071.3); c.397-6del (NM_001347701.2); c.256-6del (NM_001347702.2).
Identifiers: ClinVar variation 289173 (VCV000289173.52), dbSNP rs757124573, ClinGen allele CA4053348.
Genomic context (GRCh38, chr6:152,156,102, plus strand): 5'-AGGTTGAGGACAGATGCAACACCTGTACTGTGCTTCTCTATGTCTCTCTGAAGCTCCTGC[AG>A]GGGAACGTAACAGGCTTTATTCAACAATTACATGTATACAGATGAGAGAAACTGAAGCAA-3'

ClinVar aggregate classification (germline): Conflicting classifications of pathogenicity. Review status: criteria provided, conflicting classifications (1 of 4 stars). 7 submissions from 7 submitters: Uncertain significance (1); Likely benign (6). Last evaluated 2025-09-24.

Conditions:
Emery-Dreifuss muscular dystrophy 4, autosomal dominant (EDMD4). Also called: EMERY-DREIFUSS MUSCULAR DYSTROPHY 4 WITH VARIABLE FEATURES. Identifiers: Orphanet 261, MedGen C2751807, MONDO:0013071, OMIM 612998.
Autosomal recessive ataxia, Beauce type. Also called: SYNE1 Deficiency; SYNE1-Related Autosomal Recessive Cerebellar Ataxia; ATAXIA, RECESSIVE, OF BEAUCE; Spinocerebellar ataxia, autosomal recessive 8. Identifiers: Orphanet 88644, MedGen C1853116, MONDO:0012549, OMIM 610743.

Submissions (7):

Labcorp Genetics (formerly Invitae), Labcorp
Classification: Likely benign for Emery-Dreifuss muscular dystrophy 4, autosomal dominant; Autosomal recessive ataxia, Beauce type. Last evaluated: 2025-09-24. Review status: criteria provided, single submitter. Criteria: Invitae Variant Classification Sherloc (09022015). Collection method: clinical testing. Allele origin: germline.

Mayo Clinic Laboratories, Mayo Clinic
Classification: Likely benign. Last evaluated: 2024-12-31. Review status: criteria provided, single submitter. Criteria: ACMG Guidelines, 2015. Collection method: clinical testing. Allele origin: germline. Observed: 1 variant allele.
Comment: BP4, BP7

Athena Diagnostics
Classification: Likely benign. Last evaluated: 2024-11-19. Review status: criteria provided, single submitter. Criteria: Athena Diagnostics Criteria. Collection method: clinical testing. Allele origin: unknown.

CeGaT Center for Human Genetics Tuebingen
Classification: Likely benign. Last evaluated: 2024-04-01. Review status: criteria provided, single submitter. Criteria: CeGaT Center For Human Genetics Tuebingen Variant Classification Criteria Version 2. Collection method: clinical testing. Allele origin: germline. Affected: yes. Observed: 3 variant alleles.
Comment: SYNE1: BP4

Blueprint Genetics
Classification: Likely benign. Last evaluated: 2023-05-19. Review status: criteria provided, single submitter. Criteria: ACMG Guidelines, 2015. Collection method: clinical testing. Allele origin: germline.

GeneDx
Classification: Likely benign. Last evaluated: 2023-03-28. Review status: criteria provided, single submitter. Criteria: GeneDx Variant Classification Process June 2021. Collection method: clinical testing. Allele origin: germline. Affected: yes.
Comment: See Variant Classification Assertion Criteria.

Eurofins Ntd Llc (ga)
Classification: Uncertain significance. Last evaluated: 2018-09-11. Review status: criteria provided, single submitter. Criteria: EGL ClinVar v180209 classification definitions. Collection method: clinical testing. Allele origin: germline. Observed: 4 variant alleles, 3 heterozygotes.